The following is an entry in ClinVar:

NM_147127.5(EVC2):c.1859T>A (p.Leu620Gln)

Gene: EVC2 (EvC ciliary complex subunit 2; minus strand). Cytogenetic location: 4p16.2.
Variant type: single nucleotide variant.
Coding change: c.1859T>A on transcript NM_147127.5 (MANE Select); coding-DNA position 1859, T replaced by A.
Protein change: p.Leu620Gln; replaces leucine 620 with glutamine.
Molecular consequence: missense variant.
Genome position (GRCh38, 1-based): chr4:5,628,586, A>T on the plus strand (T>A on the coding strand, the complement: EVC2 is on the minus strand). VCF-style: chr4-5628586-A-T. GRCh37 (hg19) VCF-style: chr4-5630313-A-T.
Other names: c.1619T>A, p.Leu540Gln (NM_001166136.2); short protein forms L620Q, L540Q.
Identifiers: ClinVar variation 1448600 (VCV001448600.6), dbSNP rs1560177469, ClinGen allele CA356147507.

ClinVar aggregate classification (germline): Uncertain significance (1 of 4 stars; one submission).

Conditions:
Ellis-van Creveld syndrome (EVC). Also called: EVC-Related Ellis-van Creveld Syndrome; EVC2-Related Ellis-van Creveld Syndrome; MESOECTODERMAL DYSPLASIA; Chondroectodermal dysplasia. Identifiers: Orphanet 289, MedGen C0013903, MONDO:0009162, OMIM 225500.
Curry-Hall syndrome (WAD). Also called: WEYERS ACRODENTAL DYSOSTOSIS. Identifiers: Orphanet 952, MedGen C0457013, MONDO:0008673, OMIM 193530.

Allele frequency attached by ClinVar (database versions not stated): gnomAD exomes below 0.00001.
gnomAD v4.1: 2 of 1,614,162 alleles (0.00012%); highest among the groups gnomAD compares: Admixed American, 0.0033%; no homozygotes.

Submission:

Labcorp Genetics (formerly Invitae), Labcorp
Classification: Uncertain significance for Curry-Hall syndrome; Ellis-van Creveld syndrome. Last evaluated: 2021-09-17. Review status: criteria provided, single submitter. Criteria: Invitae Variant Classification Sherloc (09022015). Collection method: clinical testing. Allele origin: germline.
Comment: This sequence change replaces leucine with glutamine at codon 620 of the EVC2 protein (p.Leu620Gln). The leucine residue is highly conserved and there is a moderate physicochemical difference between leucine and glutamine. This variant is not present in population databases (ExAC no frequency). This variant has not been reported in the literature in individuals affected with EVC2-related conditions. Algorithms developed to predict the effect of missense changes on protein structure and function (SIFT, PolyPhen-2, Align-GVGD) all suggest that this variant is likely to be disruptive. In summary, the available evidence is currently insufficient to determine the role of this variant in disease. Therefore, it has been classified as a Variant of Uncertain Significance.